The following is an entry in ClinVar:

NM_033409.4(SLC52A3):c.787C>T (p.His263Tyr)

Gene: SLC52A3 (solute carrier family 52 member 3; minus strand). Cytogenetic location: 20p13.
Variant type: single nucleotide variant.
Coding change: c.787C>T on transcript NM_033409.4 (MANE Select); coding-DNA position 787, C replaced by T.
Protein change: p.His263Tyr; replaces histidine 263 with tyrosine.
Molecular consequence: missense variant.
Genome position (GRCh38, 1-based): chr20:763,784, G>A on the plus strand (C>T on the coding strand, the complement: SLC52A3 is on the minus strand). VCF-style: chr20-763784-G-A. GRCh37 (hg19) VCF-style: chr20-744428-G-A.
Other names: c.787C>T, p.His263Tyr (NM_001370085.1, NM_001370086.1); short protein forms H263Y.
Identifiers: ClinVar variation 579662 (VCV000579662.40), dbSNP rs150159842, ClinGen allele CA9724683.

ClinVar aggregate classification (germline): Conflicting classifications of pathogenicity. Review status: criteria provided, conflicting classifications (1 of 4 stars). 5 submissions from 5 submitters: Uncertain significance (3); Likely benign (2). Last evaluated 2026-01-07.

Conditions:
Brown-Vialetto-van Laere syndrome 1. Also called: BROWN-VIALETTO-VAN LAERE SYNDROME 1, MILD; PONTOBULBAR PALSY WITH DEAFNESS; BULBAR PALSY, PROGRESSIVE, WITH SENSORINEURAL DEAFNESS. Identifiers: Orphanet 572550, Orphanet 97229, MedGen C0796274, MONDO:0024537, OMIM 211530.
Inborn genetic diseases. Identifiers: MedGen C0950123, MeSH D030342.
Progressive bulbar palsy of childhood. Also called: Childhood Progressive Bulbar Palsy; FAZIO-LONDE DISEASE. Identifiers: MedGen C0393540, MONDO:0100428, OMIM 211500.

Allele frequency attached by ClinVar (database versions not stated): ExAC 0.00017; gnomAD 0.00024 and 0.00027; gnomAD exomes 0.00018 and 0.00004; 1000 Genomes Project 30x 0.00078; ESP Exome Variant Server 0.00015; TOPMed 0.00044; 1000 Genomes Project 0.00100.

Submissions (5):

GeneDx
Classification: Uncertain significance. Last evaluated: 2026-01-07. Review status: criteria provided, single submitter. Criteria: GeneDx Variant Classification Process June 2021. Collection method: clinical testing. Allele origin: germline. Affected: yes.
Comment: In silico analysis suggests that this missense variant does not alter protein structure/function; Has not been previously published as pathogenic or benign to our knowledge; This variant is associated with the following publications: (PMID: 23506902)

Labcorp Genetics (formerly Invitae), Labcorp
Classification: Likely benign for Brown-Vialetto-van Laere syndrome 1. Last evaluated: 2025-12-10. Review status: criteria provided, single submitter. Criteria: Invitae Variant Classification Sherloc (09022015). Collection method: clinical testing. Allele origin: germline.

CeGaT Center for Human Genetics Tuebingen
Classification: Likely benign. Last evaluated: 2023-01-01. Review status: criteria provided, single submitter. Criteria: CeGaT Center For Human Genetics Tuebingen Variant Classification Criteria Version 2. Collection method: clinical testing. Allele origin: germline. Affected: yes. Observed: 1 variant allele.
Comment: SLC52A3: BP4

Fulgent Genetics
Classification: Uncertain significance for Progressive bulbar palsy of childhood; Brown-Vialetto-van Laere syndrome 1. Last evaluated: 2021-07-28. Review status: criteria provided, single submitter. Criteria: ACMG Guidelines, 2015. Collection method: clinical testing. Allele origin: unknown.

Ambry Genetics
Classification: Uncertain significance for Inborn genetic diseases. Last evaluated: 2020-12-30. Review status: criteria provided, single submitter. Criteria: Ambry Variant Classification Scheme 2023. Collection method: clinical testing. Allele origin: germline.
Comment: The p.H263Y variant (also known as c.787C>T), located in coding exon 2 of the SLC52A3 gene, results from a C to T substitution at nucleotide position 787. The histidine at codon 263 is replaced by tyrosine, an amino acid with similar properties. This amino acid position is poorly conserved in available vertebrate species. In addition, this alteration is predicted to be tolerated by in silico analysis. Since supporting evidence is limited at this time, the clinical significance of this alteration remains unclear.